The following is an entry in ClinVar:

ClinVar aggregate classification (germline): Conflicting classifications of pathogenicity. Review status: criteria provided, conflicting classifications (1 of 4 stars). 2 submissions from 2 submitters: Uncertain significance (1); Likely benign (1). Last evaluated 2025-09-09.

Conditions:
Hereditary cancer-predisposing syndrome. Also called: Hereditary neoplastic syndrome; Hereditary Cancer Syndrome; Neoplastic Syndromes, Hereditary; Tumor predisposition. Identifiers: Orphanet 140162, MedGen C0027672, MeSH D009386, MONDO:0015356.
Familial adenomatous polyposis 2. Also called: MYH-associated polyposis; COLORECTAL ADENOMATOUS POLYPOSIS, AUTOSOMAL RECESSIVE; ADENOMAS, MULTIPLE COLORECTAL, AUTOSOMAL RECESSIVE; MUTYH-related attenuated familial adenomatous polyposis; Adenomas, multiple colorectal; FAP type 2. Identifiers: Orphanet 220460, Orphanet 247798, MedGen C3272841, MONDO:0012041, OMIM 608456.

Submissions (2):

Ambry Genetics
Classification: Likely benign for Hereditary cancer-predisposing syndrome. Last evaluated: 2025-09-09. Review status: criteria provided, single submitter. Criteria: Ambry Variant Classification Scheme 2023. Collection method: clinical testing. Allele origin: germline.

Labcorp Genetics (formerly Invitae), Labcorp
Classification: Uncertain significance for Familial adenomatous polyposis 2. Last evaluated: 2025-04-29. Review status: criteria provided, single submitter. Criteria: Invitae Variant Classification Sherloc (09022015). Collection method: clinical testing. Allele origin: germline.
Comment: This sequence change replaces aspartic acid, which is acidic and polar, with asparagine, which is neutral and polar, at codon 110 of the MUTYH protein (p.Asp110Asn). This variant is not present in population databases (gnomAD no frequency). This variant has not been reported in the literature in individuals affected with MUTYH-related conditions. ClinVar contains an entry for this variant (Variation ID: 480006). An algorithm developed to predict the effect of missense changes on protein structure and function (PolyPhen-2) suggests that this variant is likely to be tolerated. In summary, the available evidence is currently insufficient to determine the role of this variant in disease. Therefore, it has been classified as a Variant of Uncertain Significance.

NM_001048174.2(MUTYH):c.244G>A (p.Asp82Asn)

Gene: MUTYH (mutY DNA glycosylase; minus strand). Cytogenetic location: 1p34.1.
Variant type: single nucleotide variant.
Coding change: c.244G>A on transcript NM_001048174.2 (MANE Select); coding-DNA position 244, G replaced by A.
Protein change: p.Asp82Asn; replaces aspartic acid 82 with asparagine.
Molecular consequence: missense variant. On other transcripts: 5 prime UTR variant (4), non-coding transcript variant (2).
Genome position (GRCh38, 1-based): chr1:45,333,433, C>T on the plus strand (G>A on the coding strand, the complement: MUTYH is on the minus strand). VCF-style: chr1-45333433-C-T. GRCh37 (hg19) VCF-style: chr1-45799105-C-T.
Other names: c.244G>A, p.Asp82Asn (NM_001048171.2, NM_001048173.2, NM_001293195.2); c.247G>A, p.Asp83Asn (NM_001048172.2); c.328G>A, p.Asp110Asn (NM_001128425.2); c.289G>A, p.Asp97Asn (NM_001293190.2); c.277G>A, p.Asp93Asn (NM_001293191.2); c.-33G>A (NM_001293192.2, NM_001293196.2); c.-28G>A (NM_001350650.2, NM_001350651.2); c.319G>A, p.Asp107Asn (NM_012222.3); short protein forms D110N, D97N, D82N, D93N, D107N, D83N.
Identifiers: ClinVar variation 480006 (VCV000480006.7), dbSNP rs1553130091, ClinGen allele CA340136370.